The following is an entry in ClinVar:

ClinVar aggregate classification (germline): Likely benign. Review status: criteria provided, multiple submitters, no conflicts (2 of 4 stars). 3 submissions from 3 submitters: Likely benign (3). Last evaluated 2025-12-25.

Conditions:
SLC24A1-related disorder. Also called: SLC24A1-related condition.

Allele frequency attached by ClinVar (database versions not stated): TOPMed 0.00002; gnomAD 0.00007; gnomAD exomes 0.00024 and 0.00044; 1000 Genomes Project 30x 0.00031; 1000 Genomes Project 0.00040; ExAC 0.00059.
gnomAD v4.1: 354 of 1,607,004 alleles (0.022%); highest among the groups gnomAD compares: South Asian, 0.38%; no homozygotes.

Submissions (3):

Labcorp Genetics (formerly Invitae), Labcorp
Classification: Likely benign. Last evaluated: 2025-12-25. Review status: criteria provided, single submitter. Criteria: Invitae Variant Classification Sherloc (09022015). Collection method: clinical testing. Allele origin: germline.

PreventionGenetics, part of Exact Sciences
Classification: Likely benign for SLC24A1-related condition. Last evaluated: 2025-05-15. Review status: criteria provided, single submitter. Criteria: ACMG Guidelines, 2015. Collection method: clinical testing. Allele origin: germline.
Comment: This variant is classified as likely benign based on ACMG/AMP sequence variant interpretation guidelines (Richards et al. 2015 PMID: 25741868, with internal and published modifications).

Blueprint Genetics
Classification: Likely benign. Last evaluated: 2024-08-21. Review status: criteria provided, single submitter. Criteria: ACMG Guidelines, 2015. Collection method: clinical testing. Allele origin: germline.

NM_004727.3(SLC24A1):c.1891-3C>T

Gene: SLC24A1 (solute carrier family 24 member 1; plus strand). Cytogenetic location: 15q22.31.
Variant type: single nucleotide variant.
Coding change: c.1891-3C>T on transcript NM_004727.3 (MANE Select); 3 bases into the intron before coding-DNA position 1891, C replaced by T.
Molecular consequence: intron variant.
Genome position (GRCh38, 1-based): chr15:65,638,125, C>T. VCF-style: chr15-65638125-C-T. GRCh37 (hg19) VCF-style: chr15-65930463-C-T.
Other names: c.1891-3C>T (NM_004727.2, NM_001301031.1); c.1891-1470C>T (NM_001301033.2, NM_001301032.1).
Identifiers: ClinVar variation 1116578 (VCV001116578.11), dbSNP rs537546157, ClinGen allele CA7620005.